The following is an entry in ClinVar:

ClinVar aggregate classification (germline): Conflicting classifications of pathogenicity. Review status: criteria provided, conflicting classifications (1 of 4 stars). 3 submissions from 3 submitters: Uncertain significance (2); Likely benign (1). Last evaluated 2026-06-29.

Conditions:
Hereditary cancer-predisposing syndrome. Also called: Tumor predisposition; Neoplastic Syndromes, Hereditary; Hereditary Cancer Syndrome; Hereditary neoplastic syndrome. Identifiers: Orphanet 140162, MedGen C0027672, MeSH D009386, MONDO:0015356.
Familial cancer of breast. Also called: hereditary breast carcinoma; BREAST CANCER, FAMILIAL; Hereditary breast cancer. Identifiers: Orphanet 227535, MedGen C0346153, MONDO:0016419, OMIM 114480. Disease mechanism: loss of function.

Submissions (3):

Ambry Genetics
Classification: Likely benign for Hereditary cancer-predisposing syndrome. Last evaluated: 2026-06-29. Review status: criteria provided, single submitter. Criteria: Ambry Variant Classification Scheme 2023. Collection method: clinical testing. Allele origin: germline.

Labcorp Genetics (formerly Invitae), Labcorp
Classification: Uncertain significance for Familial cancer of breast. Last evaluated: 2023-10-18. Review status: criteria provided, single submitter. Criteria: Invitae Variant Classification Sherloc (09022015). Collection method: clinical testing. Allele origin: germline.
Comment: This sequence change replaces leucine, which is neutral and non-polar, with proline, which is neutral and non-polar, at codon 362 of the PALB2 protein (p.Leu362Pro). This variant is not present in population databases (gnomAD no frequency). This missense change has been observed in individual(s) with breast or ovarian cancer (PMID: 26283626). ClinVar contains an entry for this variant (Variation ID: 225852). Advanced modeling of protein sequence and biophysical properties (such as structural, functional, and spatial information, amino acid conservation, physicochemical variation, residue mobility, and thermodynamic stability) performed at Invitae indicates that this missense variant is not expected to disrupt PALB2 protein function. In summary, the available evidence is currently insufficient to determine the role of this variant in disease. Therefore, it has been classified as a Variant of Uncertain Significance.

Cancer Genetics Laboratory, Peter MacCallum Cancer Centre
Classification: Uncertain significance for Familial cancer of breast. Last evaluated: 2015-06-01. Review status: criteria provided, single submitter. Criteria: Thompson et al. (Breast Cancer Res. 2015). Collection method: case-control. Allele origin: germline. Affected: yes. Observed: 1 variant allele, 1 heterozygote.

Literature cited by the submitters: PubMed 26283626 (cited by Labcorp Genetics (formerly Invitae), Labcorp).

NM_024675.4(PALB2):c.1085T>C (p.Leu362Pro)

Gene: PALB2 (partner and localizer of BRCA2; minus strand). Cytogenetic location: 16p12.2.
Variant type: single nucleotide variant.
Coding change: c.1085T>C on transcript NM_024675.4 (MANE Select); coding-DNA position 1085, T replaced by C.
Protein change: p.Leu362Pro; replaces leucine 362 with proline.
Molecular consequence: missense variant.
Genome position (GRCh38, 1-based): chr16:23,635,461, A>G on the plus strand (T>C on the coding strand, the complement: PALB2 is on the minus strand). VCF-style: chr16-23635461-A-G. GRCh37 (hg19) VCF-style: chr16-23646782-A-G.
Other names: short protein forms L362P.
Identifiers: ClinVar variation 225852 (VCV000225852.12), dbSNP rs875989793, ClinGen allele CA10576115.
Genomic context (GRCh38, chr16:23,635,461, plus strand): 5'-CTAAGACTCTTAGGTTGACTTAGAATCTCACTTTCCTGAAGATTTTCATTCCTGCCATCA[A>G]GAGTGTCACTGGGAGATTTTAAAGATTTCTCTGTTTGATTTTGTTCTTTTAAGTTTTGGT-3'
Protein context (NP_078951.2, residues 352-372): EKSLKSPSDT[Leu362Pro]DGRNENLQES